The following is an entry in ClinVar:

ClinVar aggregate classification (germline): Pathogenic (1 of 4 stars; one submission).

Submission:

CeGaT Center for Human Genetics Tuebingen
Classification: Pathogenic. Last evaluated: 2023-01-01. Review status: criteria provided, single submitter. Criteria: CeGaT Center For Human Genetics Tuebingen Variant Classification Criteria Version 2. Collection method: clinical testing. Allele origin: germline. Affected: yes. Observed: 1 variant allele.
Comment: PHIP: PVS1, PM2

NM_017934.7(PHIP):c.2537+2T>A

Gene: PHIP (PHIP subunit of CUL4-Ring ligase complex; minus strand). Cytogenetic location: 6q14.1.
Variant type: single nucleotide variant.
Coding change: c.2537+2T>A on transcript NM_017934.7 (MANE Select); the canonical splice donor site of the intron after coding-DNA position 2537, T replaced by A.
Molecular consequence: splice donor variant.
Genome position (GRCh38, 1-based): chr6:78,985,350, A>T on the plus strand (T>A on the coding strand, the complement: PHIP is on the minus strand). VCF-style: chr6-78985350-A-T. GRCh37 (hg19) VCF-style: chr6-79695067-A-T.
Identifiers: ClinVar variation 2499020 (VCV002499020.28), dbSNP rs2481974697, ClinGen allele CA364650406.